The following is an entry in ClinVar:

NM_001148.6(ANK2):c.10578C>G (p.His3526Gln)

Gene: ANK2 (ankyrin 2; plus strand). Cytogenetic location: 4q26.
Variant type: single nucleotide variant.
Coding change: c.10578C>G on transcript NM_001148.6 (MANE Select); coding-DNA position 10578, C replaced by G.
Protein change: p.His3526Gln; replaces histidine 3526 with glutamine.
Molecular consequence: missense variant. On other transcripts: intron variant (68).
Genome position (GRCh38, 1-based): chr4:113,359,196, C>G. VCF-style: chr4-113359196-C-G. GRCh37 (hg19) VCF-style: chr4-114280352-C-G.
Other names: c.10344C>G, p.His3448Gln (NM_001386142.1); c.6978C>G, p.His2326Gln (NM_001386166.1); c.10719C>G, p.His3573Gln (NM_001386174.1); c.10695C>G, p.His3565Gln (NM_001386175.1); c.4412-1627C>G (NM_001386186.2, NM_001386148.2); c.4214-1627C>G (NM_001354269.3); c.4292-1627C>G (NM_001386187.2); c.4253-1627C>G (NM_001386147.1); and 35 more; short protein forms H2326Q, H3448Q, H3526Q, H3565Q, H3573Q.
Identifiers: ClinVar variation 1778836 (VCV001778836.3), dbSNP rs752911811, ClinGen allele CA3052090.
Genomic context (GRCh38, chr4:113,359,196, plus strand): 5'-AAGTAGTAGTGCCCTGGAAGTATCAGTAATTGAAAATCTGCCACCTGTTGAGACCGAGCA[C>G]TCAGTTCCTGAGGACATCTTTGACACAAGGCCCATTTGGGATGAGTCTATTGAGACTCTG-3'
Protein context (NP_001139.3, residues 3516-3536): IENLPPVETE[His3526Gln]SVPEDIFDTR

ClinVar aggregate classification (germline): Conflicting classifications of pathogenicity. Review status: criteria provided, conflicting classifications (1 of 4 stars). 2 submissions from 2 submitters: Uncertain significance (1); Likely benign (1). Last evaluated 2025-06-29.

Conditions:
Cardiovascular phenotype. Identifiers: MedGen CN230736.
Long QT syndrome (LQTS). Identifiers: MedGen C0023976, MeSH D008133, MONDO:0002442. Disease mechanism: loss of function. Inheritance: Various modes of inheritance.

Allele frequency attached by ClinVar (database versions not stated): TOPMed below 0.00001; ExAC 0.00001; gnomAD 0.00001.
gnomAD v4.1: 1 of 1,613,214 alleles (0.000062%); highest among the groups gnomAD compares: African/African-American, 0.0013%; no homozygotes.

Submissions (2):

Labcorp Genetics (formerly Invitae), Labcorp
Classification: Uncertain significance for Long QT syndrome. Last evaluated: 2025-06-29. Review status: criteria provided, single submitter. Criteria: Invitae Variant Classification Sherloc (09022015). Collection method: clinical testing. Allele origin: germline.
Comment: This sequence change replaces histidine, which is basic and polar, with glutamine, which is neutral and polar, at codon 3526 of the ANK2 protein (p.His3526Gln). This variant is present in population databases (rs752911811, gnomAD 0.007%). This variant has not been reported in the literature in individuals affected with ANK2-related conditions. ClinVar contains an entry for this variant (Variation ID: 1778836). An algorithm developed to predict the effect of missense changes on protein structure and function outputs the following: PolyPhen-2: "Benign". The glutamine amino acid residue is found in multiple mammalian species, which suggests that this missense change does not adversely affect protein function. In summary, the available evidence is currently insufficient to determine the role of this variant in disease. Therefore, it has been classified as a Variant of Uncertain Significance.

Ambry Genetics
Classification: Likely benign for Cardiovascular phenotype. Last evaluated: 2021-09-24. Review status: criteria provided, single submitter. Criteria: Ambry Variant Classification Scheme 2023. Collection method: clinical testing. Allele origin: germline.